The following is an entry in ClinVar:

NM_024408.4(NOTCH2):c.2352G>T (p.Lys784Asn)

Gene: NOTCH2 (notch receptor 2; minus strand). Cytogenetic location: 1p12.
Variant type: single nucleotide variant.
Coding change: c.2352G>T on transcript NM_024408.4 (MANE Select); coding-DNA position 2352, G replaced by T.
Protein change: p.Lys784Asn; replaces lysine 784 with asparagine.
Molecular consequence: missense variant.
Genome position (GRCh38, 1-based): chr1:119,953,556, C>A on the plus strand (G>T on the coding strand, the complement: NOTCH2 is on the minus strand). VCF-style: chr1-119953556-C-A. GRCh37 (hg19) VCF-style: chr1-120496179-C-A.
Other names: c.2352G>T, p.Lys784Asn (NM_001200001.2); c.2352G>T (NM_024408.3); short protein forms K784N.
Identifiers: ClinVar variation 1523286 (VCV001523286.9), dbSNP rs782553837, ClinGen allele CA341863733.

ClinVar aggregate classification (germline): Uncertain significance. Review status: criteria provided, multiple submitters, no conflicts (2 of 4 stars). 2 submissions from 2 submitters: Uncertain significance (2). Last evaluated 2025-03-06.

Conditions:
Hajdu-Cheney syndrome (HJCYS). Also called: ACROOSTEOLYSIS WITH OSTEOPOROSIS AND CHANGES IN SKULL AND MANDIBLE; SERPENTINE FIBULA-POLYCYSTIC KIDNEY SYNDROME; Acroosteolysis dominant type. Identifiers: Orphanet 955, MedGen C0917715, MONDO:0007057, OMIM 102500.

gnomAD v4.1: 4 of 1,614,182 alleles (0.00025%); highest among the groups gnomAD compares: Non-Finnish European, 0.00017%; no homozygotes.

Submissions (2):

GeneDx
Classification: Uncertain significance. Last evaluated: 2025-03-06. Review status: criteria provided, single submitter. Criteria: GeneDx Variant Classification Process June 2021. Collection method: clinical testing. Allele origin: germline. Affected: yes.
Comment: Not observed at significant frequency in large population cohorts (gnomAD); In silico analysis indicates that this missense variant does not alter protein structure/function; Has not been previously published as pathogenic or benign to our knowledge

Labcorp Genetics (formerly Invitae), Labcorp
Classification: Uncertain significance for Hajdu-Cheney syndrome. Last evaluated: 2023-07-05. Review status: criteria provided, single submitter. Criteria: Invitae Variant Classification Sherloc (09022015). Collection method: clinical testing. Allele origin: germline.
Comment: In summary, the available evidence is currently insufficient to determine the role of this variant in disease. Therefore, it has been classified as a Variant of Uncertain Significance. Advanced modeling of protein sequence and biophysical properties (such as structural, functional, and spatial information, amino acid conservation, physicochemical variation, residue mobility, and thermodynamic stability) performed at Invitae indicates that this missense variant is not expected to disrupt NOTCH2 protein function. ClinVar contains an entry for this variant (Variation ID: 1523286). This variant has not been reported in the literature in individuals affected with NOTCH2-related conditions. This variant is not present in population databases (gnomAD no frequency). This sequence change replaces lysine, which is basic and polar, with asparagine, which is neutral and polar, at codon 784 of the NOTCH2 protein (p.Lys784Asn).